The following is an entry in ClinVar:

NM_006946.4(SPTBN2):c.6702C>T (p.Phe2234=)

Gene: SPTBN2 (spectrin beta, non-erythrocytic 2; minus strand). Cytogenetic location: 11q13.2.
Variant type: single nucleotide variant.
Coding change: c.6702C>T on transcript NM_006946.4 (MANE Select); coding-DNA position 6702, C replaced by T.
Protein change: p.Phe2234=; no amino-acid change (phenylalanine 2234 retained).
Molecular consequence: synonymous variant.
Genome position (GRCh38, 1-based): chr11:66,687,447, G>A on the plus strand (C>T on the coding strand, the complement: SPTBN2 is on the minus strand). VCF-style: chr11-66687447-G-A. GRCh37 (hg19) VCF-style: chr11-66454918-G-A.
Identifiers: ClinVar variation 1256186 (VCV001256186.7), dbSNP rs773474294, ClinGen allele CA6127834.
Genomic context (GRCh38, chr11:66,687,447, plus strand): 5'-GGGAAGTGCCCTCTGAGAGCAGGCTCCAGAGAGGCTGTACCTGTTGGCAGCCTTCTTCCC[G>A]AAGGCCTCCATCTCCTGCTTGCGGCACAGCATCCCCTCCATCTGCTCCTGGGCAGATGGC-3'
Protein context (NP_008877.2, residues 2224-2244): MLCRKQEMEA[Phe2234=]GKKAANRSWQ

ClinVar aggregate classification (germline): Benign/Likely benign. Review status: criteria provided, multiple submitters, no conflicts (2 of 4 stars). 3 submissions from 3 submitters: Benign (1); Likely benign (1). 1 of the submissions does not count toward it. Last evaluated 2026-02-01.

Conditions:
SPTBN2-related disorder. Also called: SPTBN2-related condition.

Allele frequency attached by ClinVar (database versions not stated): gnomAD exomes 0.00002 and 0.00003; ExAC 0.00004; gnomAD 0.00005 and 0.00006; TOPMed 0.00006.
gnomAD v4.1: 59 of 1,607,570 alleles (0.0037%); highest among the groups gnomAD compares: Middle Eastern, 0.016%; no homozygotes.

Submissions (3):

CeGaT Center for Human Genetics Tuebingen
Classification: Likely benign. Last evaluated: 2026-02-01. Review status: criteria provided, single submitter. Criteria: CeGaT Center For Human Genetics Tuebingen Variant Classification Criteria Version 2. Collection method: clinical testing. Allele origin: germline. Affected: yes. Observed: 1 variant allele.
Comment: SPTBN2: BP4, BP7

Athena Diagnostics
Classification: Benign. Last evaluated: 2021-05-07. Review status: criteria provided, single submitter. Criteria: Athena Diagnostics criteria. Collection method: clinical testing. Allele origin: unknown.

PreventionGenetics, part of Exact Sciences
Classification: Likely benign for SPTBN2-related condition. Last evaluated: 2024-02-22. Review status: no assertion criteria provided. Collection method: clinical testing. Allele origin: germline. Not counted in ClinVar's aggregate classification.
Comment: This variant is classified as likely benign based on ACMG/AMP sequence variant interpretation guidelines (Richards et al. 2015 PMID: 25741868, with internal and published modifications).